The following is an entry in ClinVar:

ClinVar aggregate classification (germline): Uncertain significance (1 of 4 stars; one submission).

Conditions:
Inborn genetic diseases. Identifiers: MedGen C0950123, MeSH D030342.

gnomAD v4.1: 10 of 1,614,060 alleles (0.00062%); highest among the groups gnomAD compares: South Asian, 0.0022%; no homozygotes.

Submission:

Ambry Genetics
Classification: Uncertain significance for Inborn genetic diseases. Last evaluated: 2026-06-17. Review status: criteria provided, single submitter. Criteria: Ambry Variant Classification Scheme 2023. Collection method: clinical testing. Allele origin: germline.
Comment: The c.964C>T (p.R322W) alteration is located in exon 5 (coding exon 5) of the TRIO gene. This alteration results from a C to T substitution at nucleotide position 964, causing the arginine (R) at amino acid position 322 to be replaced by a tryptophan (W). Based on data from gnomAD, the T allele has an overall frequency of 0.001% (2/282430) total alleles studied. The highest observed frequency was 0.003% (1/30612) of South Asian alleles. Based on insufficient or conflicting evidence, the clinical significance of this alteration remains unclear.

NM_007118.4(TRIO):c.964C>T (p.Arg322Trp)

Gene: TRIO (trio Rho guanine nucleotide exchange factor; plus strand). Cytogenetic location: 5p15.2.
Variant type: single nucleotide variant.
Coding change: c.964C>T on transcript NM_007118.4 (MANE Select); coding-DNA position 964, C replaced by T.
Protein change: p.Arg322Trp; replaces arginine 322 with tryptophan.
Molecular consequence: missense variant. On other transcripts: non-coding transcript variant (1).
Genome position (GRCh38, 1-based): chr5:14,291,139, C>T. VCF-style: chr5-14291139-C-T. GRCh37 (hg19) VCF-style: chr5-14291248-C-T.
Other names: short protein forms R322W.
Identifiers: ClinVar variation 5031116 (VCV005031116.1).